The following is an entry in ClinVar:

ClinVar aggregate classification (germline): Uncertain significance (1 of 4 stars; one submission).

Submission:

Labcorp Genetics (formerly Invitae), Labcorp
Classification: Uncertain significance. Last evaluated: 2022-03-24. Review status: criteria provided, single submitter. Criteria: Invitae Variant Classification Sherloc (09022015). Collection method: clinical testing. Allele origin: germline.
Comment: This sequence change creates a premature translational stop signal (p.Ser903Metfs*19) in the ITGAM gene. It is expected to result in an absent or disrupted protein product. However, the current clinical and genetic evidence is not sufficient to establish whether loss-of-function variants in ITGAM cause disease. This variant is present in population databases (no rsID available, gnomAD 0.0009%). In summary, the available evidence is currently insufficient to determine the role of this variant in disease. Therefore, it has been classified as a Variant of Uncertain Significance. Algorithms developed to predict the effect of sequence changes on RNA splicing suggest that this variant may disrupt the consensus splice site. This variant is also known as c.2708+1del. This variant has not been reported in the literature in individuals affected with ITGAM-related conditions.

NM_000632.4(ITGAM):c.2708+1del

Gene: ITGAM (integrin subunit alpha M; plus strand). Cytogenetic location: 16p11.2.
Variant type: Deletion.
Coding change: c.2708+1del on transcript NM_000632.4 (MANE Select); the canonical splice donor site of the intron after coding-DNA position 2708, one base deleted (G; older notation c.2708+1delG).
Molecular consequence: splice donor variant.
Genome position (GRCh38, 1-based): chr16:31,326,936, G deleted; the last of 2 consecutive G bases (chr16:31,326,935-31,326,936); deleting either gives the same sequence. VCF-style (leftmost placement, unchanged base first): chr16-31326934-AG-A. GRCh37 (hg19) VCF-style: chr16-31338255-AG-A.
Other names: c.2711+1del (NM_001145808.2).
Identifiers: ClinVar variation 2116609 (VCV002116609.4), dbSNP rs1463720135, ClinGen allele CA621882897.